The following is an entry in ClinVar:

NM_000169.3(GLA):c.11G>T (p.Arg4Met)

Genes: GLA (galactosidase alpha; minus strand), RPL36A-HNRNPH2 (RPL36A-HNRNPH2 readthrough; plus strand). Cytogenetic location: Xq22.1.
Variant type: single nucleotide variant.
Coding change: c.11G>T on transcript NM_000169.3 (MANE Select); coding-DNA position 11, G replaced by T.
Protein change: p.Arg4Met; replaces arginine 4 with methionine.
Molecular consequence: missense variant. On other transcripts: non-coding transcript variant (3), intron variant (2).
Genome position (GRCh38, 1-based): chrX:101,407,893, C>A on the plus strand (G>T on the coding strand, the complement: GLA is on the minus strand). VCF-style: chrX-101407893-C-A. GRCh37 (hg19) VCF-style: chrX-100662881-C-A.
Other names: c.11G>T, p.Arg4Met (NM_001406747.1, NM_001406748.1, NM_001406749.1); c.301-4043C>A (NM_001199973.2); c.178-4043C>A (NM_001199974.2); short protein forms R4M.
Identifiers: ClinVar variation 585079 (VCV000585079.10), dbSNP rs1569306260, ClinGen allele CA413937905.

ClinVar aggregate classification (germline): Uncertain significance (1 of 4 stars; one submission).

Conditions:
Fabry disease. Also called: Fabry's disease; ALPHA-GALACTOSIDASE A DEFICIENCY; ANDERSON-FABRY DISEASE; CERAMIDE TRIHEXOSIDASE DEFICIENCY; Ceramide trihexosidosis; Angiokeratoma corporis diffusum. Identifiers: Orphanet 324, MedGen C0002986, MONDO:0010526, OMIM 301500, HP:0001071. Disease mechanism: Fabry disease is due to inactivating mutations in the X-linked GLA gene resulting in deficiency of the enzyme Alpha Galactosidase-A., loss of function.

Submission:

Labcorp Genetics (formerly Invitae), Labcorp
Classification: Uncertain significance for Fabry disease. Last evaluated: 2025-10-13. Review status: criteria provided, single submitter. Criteria: Invitae Variant Classification Sherloc (09022015). Collection method: clinical testing. Allele origin: germline.
Comment: This sequence change replaces arginine, which is basic and polar, with methionine, which is neutral and non-polar, at codon 4 of the GLA protein (p.Arg4Met). This variant is not present in population databases (gnomAD no frequency). This variant has not been reported in the literature in individuals affected with GLA-related conditions. ClinVar contains an entry for this variant (Variation ID: 585079). An algorithm developed to predict the effect of missense changes on protein structure and function outputs the following: PolyPhen-2: "Benign". The methionine amino acid residue is found in multiple mammalian species, which suggests that this missense change does not adversely affect protein function. In summary, the available evidence is currently insufficient to determine the role of this variant in disease. Therefore, it has been classified as a Variant of Uncertain Significance.